The following is an entry in ClinVar:

ClinVar aggregate classification (germline): Uncertain significance (1 of 4 stars; one submission).

gnomAD v4.1: 1 of 1,609,832 alleles (0.000062%); highest among the groups gnomAD compares: Non-Finnish European, 0.000085%; no homozygotes.

Submission:

Labcorp Genetics (formerly Invitae), Labcorp
Classification: Uncertain significance. Last evaluated: 2021-03-22. Review status: criteria provided, single submitter. Criteria: Invitae Variant Classification Sherloc (09022015). Collection method: clinical testing. Allele origin: germline.
Comment: This sequence change replaces valine with leucine at codon 997 of the SPEG protein (p.Val997Leu). The valine residue is highly conserved and there is a small physicochemical difference between valine and leucine. This variant is not present in population databases (ExAC no frequency). This variant has not been reported in the literature in individuals with SPEG-related conditions. Algorithms developed to predict the effect of missense changes on protein structure and function are either unavailable or do not agree on the potential impact of this missense change (SIFT: "Deleterious"; PolyPhen-2: "Possibly Damaging"; Align-GVGD: "Class C0"). In summary, the available evidence is currently insufficient to determine the role of this variant in disease. Therefore, it has been classified as a Variant of Uncertain Significance.

NM_005876.5(SPEG):c.2989G>T (p.Val997Leu)

Gene: SPEG (striated muscle enriched protein kinase; plus strand). Cytogenetic location: 2q35.
Variant type: single nucleotide variant.
Coding change: c.2989G>T on transcript NM_005876.5 (MANE Select); coding-DNA position 2989, G replaced by T.
Protein change: p.Val997Leu; replaces valine 997 with leucine.
Molecular consequence: missense variant.
Genome position (GRCh38, 1-based): chr2:219,467,281, G>T. VCF-style: chr2-219467281-G-T. GRCh37 (hg19) VCF-style: chr2-220332003-G-T.
Other names: short protein forms V997L.
Identifiers: ClinVar variation 1380290 (VCV001380290.8), dbSNP rs1359313092, ClinGen allele CA350742757.